The following is an entry in ClinVar:

ClinVar aggregate classification (germline): Likely benign (0 of 4 stars; one submission).

Conditions:
LDHD-related disorder. Also called: LDHD-related condition.

Submission:

PreventionGenetics, part of Exact Sciences
Classification: Likely benign for LDHD-related condition. Last evaluated: 2019-11-14. Review status: no assertion criteria provided. Collection method: clinical testing. Allele origin: germline.
Comment: This variant is classified as likely benign based on ACMG/AMP sequence variant interpretation guidelines (Richards et al. 2015 PMID: 25741868, with internal and published modifications).

NM_194436.3(LDHD):c.642C>T (p.Ala214=)

Gene: LDHD (lactate dehydrogenase D; minus strand). Cytogenetic location: 16q23.1.
Variant type: single nucleotide variant.
Coding change: c.642C>T on transcript NM_194436.3 (MANE Select); coding-DNA position 642, C replaced by T.
Protein change: p.Ala214=; no amino-acid change (alanine 214 retained).
Molecular consequence: synonymous variant.
Genome position (GRCh38, 1-based): chr16:75,114,153, G>A on the plus strand (C>T on the coding strand, the complement: LDHD is on the minus strand). VCF-style: chr16-75114153-G-A. GRCh37 (hg19) VCF-style: chr16-75148051-G-A.
Other names: c.711C>T, p.Ala237= (NM_153486.4).
Identifiers: ClinVar variation 3353862 (VCV003353862.1).